The following is an entry in ClinVar:

ClinVar aggregate classification (germline): Benign. Review status: criteria provided, multiple submitters, no conflicts (2 of 4 stars). 3 submissions from 3 submitters: Benign (2). 1 of the submissions does not count toward it. Last evaluated 2026-01-05.

Conditions:
DHX37-related disorder. Also called: DHX37-related condition; DHX37-Related Disorders.

Allele frequency attached by ClinVar (database versions not stated): gnomAD exomes 0.00058 and 0.00152; ExAC 0.00194; 1000 Genomes Project 0.00459; 1000 Genomes Project 30x 0.00500; gnomAD 0.00579 and 0.00630; ESP Exome Variant Server 0.00615; TOPMed 0.00699.
gnomAD v4.1: 1,761 of 1,610,972 alleles (0.11%); highest among the groups gnomAD compares: African/African-American, 2%; 24 homozygotes.

Submissions (3):

Labcorp Genetics (formerly Invitae), Labcorp
Classification: Benign. Last evaluated: 2026-01-05. Review status: criteria provided, single submitter. Criteria: Invitae Variant Classification Sherloc (09022015). Collection method: clinical testing. Allele origin: germline.

Breakthrough Genomics
Classification: Benign. Review status: criteria provided, single submitter. Criteria: ACMG Guidelines, 2015. Collection method: not provided. Allele origin: germline. Inheritance: Autosomal recessive inheritance. Affected: yes.

PreventionGenetics, part of Exact Sciences
Classification: Benign for DHX37-related condition. Last evaluated: 2019-12-23. Review status: no assertion criteria provided. Collection method: clinical testing. Allele origin: germline. Not counted in ClinVar's aggregate classification.
Comment: This variant is classified as benign based on ACMG/AMP sequence variant interpretation guidelines (Richards et al. 2015 PMID: 25741868, with internal and published modifications).

NM_032656.4(DHX37):c.714C>T (p.Pro238=)

Gene: DHX37 (DEAH-box helicase 37; minus strand). Cytogenetic location: 12q24.31.
Variant type: single nucleotide variant.
Coding change: c.714C>T on transcript NM_032656.4 (MANE Select); coding-DNA position 714, C replaced by T.
Protein change: p.Pro238=; no amino-acid change (proline 238 retained).
Molecular consequence: synonymous variant.
Genome position (GRCh38, 1-based): chr12:124,980,514, G>A on the plus strand (C>T on the coding strand, the complement: DHX37 is on the minus strand). VCF-style: chr12-124980514-G-A. GRCh37 (hg19) VCF-style: chr12-125465060-G-A.
Identifiers: ClinVar variation 733759 (VCV000733759.11), dbSNP rs147590134, ClinGen allele CA6872371.